The following is an entry in ClinVar:

ClinVar aggregate classification (germline): Benign/Likely benign. Review status: criteria provided, multiple submitters, no conflicts (2 of 4 stars). 3 submissions from 3 submitters: Benign (1); Likely benign (1). 1 of the submissions does not count toward it. Last evaluated 2026-02-01.

Conditions:
TNRC6B-related disorder. Also called: TNRC6B-related condition.

Allele frequency attached by ClinVar (database versions not stated): 1000 Genomes Project 0.00040; 1000 Genomes Project 30x 0.00047; gnomAD exomes 0.00089 and 0.00168; TOPMed 0.00099; gnomAD 0.00108 and 0.00114; ExAC 0.00148; ESP Exome Variant Server 0.00157.
gnomAD v4.1: 2,401 of 1,505,626 alleles (0.16%); highest among the groups gnomAD compares: Non-Finnish European, 0.2%; 1 homozygote.

Submissions (5):

CeGaT Center for Human Genetics Tuebingen
Classification: Likely benign. Last evaluated: 2026-02-01. Review status: criteria provided, single submitter. Criteria: CeGaT Center For Human Genetics Tuebingen Variant Classification Criteria Version 2. Collection method: clinical testing. Allele origin: germline. Affected: yes. Observed: 6 variant alleles.
Comment: TNRC6B: BP4, BP7, BS1

Labcorp Genetics (formerly Invitae), Labcorp
Classification: Benign. Last evaluated: 2018-08-16. Review status: criteria provided, single submitter. Criteria: Invitae Variant Classification Sherloc (09022015). Collection method: clinical testing. Allele origin: germline.

PreventionGenetics, part of Exact Sciences
Classification: Likely benign for TNRC6B-related condition. Last evaluated: 2022-02-09. Review status: no assertion criteria provided. Collection method: clinical testing. Allele origin: germline. Not counted in ClinVar's aggregate classification.
Comment: This variant is classified as likely benign based on ACMG/AMP sequence variant interpretation guidelines (Richards et al. 2015 PMID: 25741868, with internal and published modifications).

Dr. Peter K. Rogan Lab, Western University
No classification provided (evidence only). Condition: Familial cancer of breast. Review status: no classification provided. Collection method: in vitro. Allele origin: not applicable. Functional consequence: retained intron. Not counted in ClinVar's aggregate classification.

Dr. Peter K. Rogan Lab, Western University
No classification provided (evidence only). Condition: Sarcoma. Review status: no classification provided. Collection method: in vitro. Allele origin: not applicable. Functional consequence: retained intron. Not counted in ClinVar's aggregate classification.

NM_001162501.2(TNRC6B):c.2922C>T (p.Gly974=)

Gene: TNRC6B (trinucleotide repeat containing adaptor 6B; plus strand). Cytogenetic location: 22q13.1.
Variant type: single nucleotide variant.
Coding change: c.2922C>T on transcript NM_001162501.2 (MANE Select); coding-DNA position 2922, C replaced by T.
Protein change: p.Gly974=; no amino-acid change (glycine 974 retained).
Molecular consequence: synonymous variant. On other transcripts: intron variant (1).
Genome position (GRCh38, 1-based): chr22:40,270,237, C>T. VCF-style: chr22-40270237-C-T. GRCh37 (hg19) VCF-style: chr22-40666241-C-T.
Other names: NC_000022.10:g.40666241C>T; c.681C>T, p.Gly227= (NM_001024843.2); c.2807-3188C>T (NM_015088.3).
Identifiers: ClinVar variation 710772 (VCV000710772.29), dbSNP rs200825621, ClinGen allele CA10246917.
Genomic context (GRCh38, chr22:40,270,237, plus strand): 5'-GCCAAATGAAAGCAGTCCTGGGTGGGGCGAGATGGATGATACAGGAGCATCGACCACAGG[C>T]TGGGGGAACACGCCCGCCAACGCTCCCAATGCCATGAAGCCTAGTAAGTGTGAAGCTTTT-3'
Protein context (NP_001155973.1, residues 964-984): EMDDTGASTT[Gly974=]WGNTPANAPN